The following is an entry in ClinVar:

NM_004006.3(DMD):c.6086A>T (p.Glu2029Val)

Gene: DMD (dystrophin; minus strand). Cytogenetic location: Xp21.1.
Variant type: single nucleotide variant.
Coding change: c.6086A>T on transcript NM_004006.3 (MANE Select); coding-DNA position 6086, A replaced by T.
Protein change: p.Glu2029Val; replaces glutamic acid 2029 with valine.
Molecular consequence: missense variant.
Genome position (GRCh38, 1-based): chrX:32,310,113, T>A on the plus strand (A>T on the coding strand, the complement: DMD is on the minus strand). VCF-style: chrX-32310113-T-A. GRCh37 (hg19) VCF-style: chrX-32328230-T-A.
Other names: c.6062A>T, p.Glu2021Val (NM_000109.4); c.6074A>T, p.Glu2025Val (NM_004009.3); c.5717A>T, p.Glu1906Val (NM_004010.3); c.2063A>T, p.Glu688Val (NM_004011.4); c.2054A>T, p.Glu685Val (NM_004012.4); short protein forms E1906V, E2021V, E2025V, E2029V, E685V, E688V.
Identifiers: ClinVar variation 4796900 (VCV004796900.1).
Genomic context (GRCh38, chrX:32,310,113, plus strand): 5'-AAATACGAATGAAAGTGCTTTGGTTTTACCTTCAGAGACTCCTCTTGCTTAAAGAGATCT[T>A]CAAAGTCCTTAGCACAGAGGTCAGGAGCATTGAGAAGTTGTTCCACTTCTAATAGGGCTT-3'
Protein context (NP_003997.2, residues 2019-2039): NAPDLCAKDF[Glu2029Val]DLFKQEESLK

ClinVar aggregate classification (germline): Uncertain significance (1 of 4 stars; one submission).

Conditions:
Duchenne muscular dystrophy (DMD). Also called: MUSCULAR DYSTROPHY, PSEUDOHYPERTROPHIC PROGRESSIVE, DUCHENNE TYPE; Duchenne Muscular Dystrophy (DMD). Identifiers: Orphanet 98896, MedGen C0013264, MONDO:0010679, OMIM 310200.

Submission:

Labcorp Genetics (formerly Invitae), Labcorp
Classification: Uncertain significance for Duchenne muscular dystrophy. Last evaluated: 2025-08-11. Review status: criteria provided, single submitter. Criteria: Invitae Variant Classification Sherloc (09022015). Collection method: clinical testing. Allele origin: germline.
Comment: This sequence change replaces glutamic acid, which is acidic and polar, with valine, which is neutral and non-polar, at codon 2029 of the DMD protein (p.Glu2029Val). This variant is not present in population databases (gnomAD no frequency). This variant has not been reported in the literature in individuals affected with DMD-related conditions. Invitae Evidence Modeling of protein sequence and biophysical properties (such as structural, functional, and spatial information, amino acid conservation, physicochemical variation, residue mobility, and thermodynamic stability) indicates that this missense variant is not expected to disrupt DMD protein function with a negative predictive value of 95%. In summary, the available evidence is currently insufficient to determine the role of this variant in disease. Therefore, it has been classified as a Variant of Uncertain Significance.